The following is an entry in ClinVar:

NM_022114.4(PRDM16):c.3643A>G (p.Thr1215Ala)

Gene: PRDM16 (PR/SET domain 16; plus strand). Cytogenetic location: 1p36.32.
Variant type: single nucleotide variant.
Coding change: c.3643A>G on transcript NM_022114.4 (MANE Select); coding-DNA position 3643, A replaced by G.
Protein change: p.Thr1215Ala; replaces threonine 1215 with alanine.
Molecular consequence: missense variant.
Genome position (GRCh38, 1-based): chr1:3,432,087, A>G. VCF-style: chr1-3432087-A-G. GRCh37 (hg19) VCF-style: chr1-3348651-A-G.
Other names: c.3643A>G, p.Thr1215Ala (NM_199454.3); c.3643A>G (NM_022114.3); short protein forms T1215A.
Identifiers: ClinVar variation 3706985 (VCV003706985.3).

ClinVar aggregate classification (germline): Uncertain significance. Review status: criteria provided, multiple submitters, no conflicts (2 of 4 stars). 2 submissions from 2 submitters: Uncertain significance (2). Last evaluated 2025-06-08.

Conditions:
Inborn genetic diseases. Identifiers: MedGen C0950123, MeSH D030342.
Left ventricular noncompaction 8 (LVNC8). Identifiers: Orphanet 154, Orphanet 54260, MedGen C3809288, MONDO:0014152, OMIM 615373.

gnomAD v4.1: 9 of 1,613,852 alleles (0.00056%); highest among the groups gnomAD compares: African/African-American, 0.012%; no homozygotes.

Submissions (2):

Ambry Genetics
Classification: Uncertain significance for Inborn genetic diseases. Last evaluated: 2025-06-08. Review status: criteria provided, single submitter. Criteria: Ambry Variant Classification Scheme 2023. Collection method: clinical testing. Allele origin: germline.

Labcorp Genetics (formerly Invitae), Labcorp
Classification: Uncertain significance for Left ventricular noncompaction 8. Last evaluated: 2024-08-21. Review status: criteria provided, single submitter. Criteria: Invitae Variant Classification Sherloc (09022015). Collection method: clinical testing. Allele origin: germline.
Comment: This sequence change replaces threonine, which is neutral and polar, with alanine, which is neutral and non-polar, at codon 1215 of the PRDM16 protein (p.Thr1215Ala). This variant is present in population databases (no rsID available, gnomAD 0.02%). This variant has not been reported in the literature in individuals affected with PRDM16-related conditions. An algorithm developed to predict the effect of missense changes on protein structure and function outputs the following: PolyPhen-2: "Benign". The alanine amino acid residue is found in multiple mammalian species, which suggests that this missense change does not adversely affect protein function. In summary, the available evidence is currently insufficient to determine the role of this variant in disease. Therefore, it has been classified as a Variant of Uncertain Significance.